The following is an entry in ClinVar:

ClinVar aggregate classification (germline): Pathogenic (1 of 4 stars; one submission).

Conditions:
Retinoblastoma (RB1). Also called: RETINOBLASTOMA, SOMATIC. Identifiers: Orphanet 790, MedGen C0035335, MeSH D012175, MONDO:0008380, OMIM 180200, HP:0009919. Disease mechanism: loss of function. Inheritance: Both sporadic and heritable forms are tested..

Submission:

Genetic Diagnostic Laboratory, University of Pennsylvania School of Medicine
Classification: Pathogenic for Retinoblastoma. Last evaluated: 2024-05-20. Review status: criteria provided, single submitter. Criteria: ACMG Guidelines, 2015. Collection method: clinical testing. Allele origin: germline. Affected: yes. Observed: 1 variant allele.
Comment: Case and Pedigree Information: BILATERAL CASES:1, UNILATERAL CASES:0, TOTAL CASES:1, PEDIGREES:1. ACMG Codes Applied:PVS1, PM2

NM_000321.3(RB1):c.1536del (p.Leu512fs)

Gene: RB1 (RB transcriptional corepressor 1; plus strand). Cytogenetic location: 13q14.2.
Variant type: Deletion.
Coding change: c.1536del on transcript NM_000321.3 (MANE Select); coding-DNA position 1536, one base deleted (G; older notation c.1536delG).
Protein change: p.Leu512fs; shifts the reading frame from leucine 512.
Molecular consequence: frameshift variant.
Genome position (GRCh38, 1-based): chr13:48,381,284, G deleted. VCF-style (leftmost placement, unchanged base first): chr13-48381283-TG-T. GRCh37 (hg19) VCF-style: chr13-48955419-TG-T.
Other names: c.1536del, p.Leu512fs (NM_001407165.1, NM_001407166.1); short protein forms L512fs.
Identifiers: ClinVar variation 3237006 (VCV003237006.1), dbSNP rs2542206559.